The following is an entry in ClinVar:

NM_001244008.2(KIF1A):c.5150G>A (p.Arg1717Gln)

Gene: KIF1A (kinesin family member 1A; minus strand). Cytogenetic location: 2q37.3.
Variant type: single nucleotide variant.
Coding change: c.5150G>A on transcript NM_001244008.2 (MANE Select); coding-DNA position 5150, G replaced by A.
Protein change: p.Arg1717Gln; replaces arginine 1717 with glutamine.
Molecular consequence: missense variant.
Genome position (GRCh38, 1-based): chr2:240,719,070, C>T on the plus strand (G>A on the coding strand, the complement: KIF1A is on the minus strand). VCF-style: chr2-240719070-C-T. GRCh37 (hg19) VCF-style: chr2-241658487-C-T.
Other names: c.4874G>A, p.Arg1625Gln (NM_001320705.2, NM_001379649.1); c.4901G>A, p.Arg1634Gln (NM_001330289.2); c.4949G>A, p.Arg1650Gln (NM_001330290.2, NM_001379648.1); c.5225G>A, p.Arg1742Gln (NM_001379631.1); c.5126G>A, p.Arg1709Gln (NM_001379632.1); c.5123G>A, p.Arg1708Gln (NM_001379633.1, NM_001379645.1); c.4976G>A, p.Arg1659Gln (NM_001379634.1); c.4973G>A, p.Arg1658Gln (NM_001379635.1, NM_001379646.1); and 7 more; short protein forms R1717Q, R1616Q, R1625Q, R1634Q, R1650Q, R1615Q, R1624Q, R1633Q.
Identifiers: ClinVar variation 565581 (VCV000565581.19), dbSNP rs760970824, ClinGen allele CA2207165.
Genomic context (GRCh38, chr2:240,719,070, plus strand): 5'-AGCATAGCCTGCTGGTCCTCACTGTACTCCACCTGGGCAGTGGCCAGGTTGAGCACGAAC[C>T]GCTCCACGGTGTCCTTGTCGCTGTTGTACATGTAGGCATAGGGGCGCCGCACCACCACGA-3'
Protein context (NP_001230937.1, residues 1707-1727): MYNSDKDTVE[Arg1717Gln]FVLNLATAQV

ClinVar aggregate classification (germline): Conflicting classifications of pathogenicity. Review status: criteria provided, conflicting classifications (1 of 4 stars). 4 submissions from 4 submitters: Uncertain significance (3); Benign (1). Last evaluated 2026-02-10.

Conditions:
Hereditary spastic paraplegia 30. Identifiers: Orphanet 101010, MedGen C5235139, MONDO:0012476.
Neuropathy, hereditary sensory, type 2C. Also called: KIF1A-Related HSAN2 (HSAN2C); Hereditary sensory and autonomic neuropathy type IIC. Identifiers: Orphanet 970, MedGen C3280168, MONDO:0013634, OMIM 614213.
Intellectual disability, autosomal dominant 9 (NESCAVS). Also called: NESCAV SYNDROME; KIF1A-Related Neurodevelopmental Disorder. Identifiers: Orphanet 662367, MedGen C5393830, MONDO:0013656, OMIM 614255.
Inborn genetic diseases. Identifiers: MedGen C0950123, MeSH D030342.

Allele frequency attached by ClinVar (database versions not stated): gnomAD exomes 0.00002 and 0.00001; ExAC 0.00003; TOPMed 0.00004; gnomAD 0.00005.
gnomAD v4.1: 26 of 1,612,510 alleles (0.0016%); highest among the groups gnomAD compares: South Asian, 0.0044%; no homozygotes.

Submissions (4):

GeneDx
Classification: Uncertain significance. Last evaluated: 2026-02-10. Review status: criteria provided, single submitter. Criteria: GeneDx Variant Classification Process June 2021. Collection method: clinical testing. Allele origin: germline.
Comment: In silico analysis supports that this missense variant has a deleterious effect on protein structure/function; Has not been previously published as pathogenic or benign to our knowledge; This variant is associated with the following publications: (PMID: 21376300, 21820098, 26125038)

CeGaT Center for Human Genetics Tuebingen
Classification: Uncertain significance. Last evaluated: 2025-08-01. Review status: criteria provided, single submitter. Criteria: CeGaT Center For Human Genetics Tuebingen Variant Classification Criteria Version 2. Collection method: clinical testing. Allele origin: germline. Affected: yes. Observed: 1 variant allele.

Labcorp Genetics (formerly Invitae), Labcorp
Classification: Benign for Hereditary spastic paraplegia 30; Neuropathy, hereditary sensory, type 2C; Intellectual disability, autosomal dominant 9. Last evaluated: 2024-01-27. Review status: criteria provided, single submitter. Criteria: Invitae Variant Classification Sherloc (09022015). Collection method: clinical testing. Allele origin: germline.

Ambry Genetics
Classification: Uncertain significance for Inborn genetic diseases. Last evaluated: 2017-07-20. Review status: criteria provided, single submitter. Criteria: Ambry Variant Classification Scheme 2023. Collection method: clinical testing. Allele origin: germline.
Comment: The p.R1616Q variant (also known as c.4847G>A), located in coding exon 44 of the KIF1A gene, results from a G to A substitution at nucleotide position 4847. The arginine at codon 1616 is replaced by glutamine, an amino acid with highly similar properties. This amino acid position is highly conserved in available vertebrate species. In addition, this alteration is predicted to be tolerated by in silico analysis. Since supporting evidence is limited at this time, the clinical significance of this alteration remains unclear.